The following is an entry in ClinVar:

NM_032776.3(JMJD1C):c.4069C>T (p.Pro1357Ser)

Gene: JMJD1C (jumonji domain containing 1C; minus strand). Cytogenetic location: 10q21.3.
Variant type: single nucleotide variant.
Coding change: c.4069C>T on transcript NM_032776.3 (MANE Select); coding-DNA position 4069, C replaced by T.
Protein change: p.Pro1357Ser; replaces proline 1357 with serine.
Molecular consequence: missense variant. On other transcripts: non-coding transcript variant (1).
Genome position (GRCh38, 1-based): chr10:63,207,600, G>A on the plus strand (C>T on the coding strand, the complement: JMJD1C is on the minus strand). VCF-style: chr10-63207600-G-A. GRCh37 (hg19) VCF-style: chr10-64967360-G-A.
Other names: c.3523C>T, p.Pro1175Ser (NM_001282948.2, NM_001318154.2); c.3205C>T, p.Pro1069Ser (NM_001318153.2); c.3955C>T, p.Pro1319Ser (NM_001322252.2); c.3412C>T, p.Pro1138Ser (NM_001322254.2, NM_001322258.2); c.4069C>T (NM_032776.1); short protein forms P1069S, P1175S, P1319S, P1357S, P1138S.
Identifiers: ClinVar variation 647014 (VCV000647014.37), dbSNP rs200927709, ClinGen allele CA5518330.

ClinVar aggregate classification (germline): Conflicting classifications of pathogenicity. Review status: criteria provided, conflicting classifications (1 of 4 stars). 4 submissions from 4 submitters: Uncertain significance (3); Likely benign (1). Last evaluated 2025-04-14.

Conditions:
Early Myoclonic Encephalopathy. Identifiers: MedGen C0270855.

Allele frequency attached by ClinVar (database versions not stated): TOPMed 0.00012; gnomAD exomes 0.00013 and 0.00008; ExAC 0.00016; ESP Exome Variant Server 0.00008; gnomAD 0.00006 and 0.00007.
gnomAD v4.1: 131 of 1,613,984 alleles (0.0081%); highest among the groups gnomAD compares: Middle Eastern, 0.099%; no homozygotes.

Submissions (4):

Ambry Genetics
Classification: Uncertain significance. Last evaluated: 2025-04-14. Review status: criteria provided, single submitter. Criteria: Ambry Variant Classification Scheme 2023. Collection method: clinical testing. Allele origin: germline.

Labcorp Genetics (formerly Invitae), Labcorp
Classification: Uncertain significance for Early Myoclonic Encephalopathy. Last evaluated: 2025-02-03. Review status: criteria provided, single submitter. Criteria: Invitae Variant Classification Sherloc (09022015). Collection method: clinical testing. Allele origin: germline.
Comment: This sequence change replaces proline, which is neutral and non-polar, with serine, which is neutral and polar, at codon 1357 of the JMJD1C protein (p.Pro1357Ser). This variant is present in population databases (rs200927709, gnomAD 0.03%). This variant has not been reported in the literature in individuals affected with JMJD1C-related conditions. ClinVar contains an entry for this variant (Variation ID: 647014). Invitae Evidence Modeling of protein sequence and biophysical properties (such as structural, functional, and spatial information, amino acid conservation, physicochemical variation, residue mobility, and thermodynamic stability) indicates that this missense variant is not expected to disrupt JMJD1C protein function with a negative predictive value of 80%. In summary, the available evidence is currently insufficient to determine the role of this variant in disease. Therefore, it has been classified as a Variant of Uncertain Significance.

CeGaT Center for Human Genetics Tuebingen
Classification: Likely benign. Last evaluated: 2022-07-01. Review status: criteria provided, single submitter. Criteria: CeGaT Center For Human Genetics Tuebingen Variant Classification Criteria Version 2. Collection method: clinical testing. Allele origin: germline. Affected: yes. Observed: 1 variant allele.
Comment: JMJD1C: BP4

Breakthrough Genomics
Classification: Uncertain significance. Review status: criteria provided, single submitter. Criteria: ACMG Guidelines, 2015. Collection method: not provided. Allele origin: germline. Inheritance: Unknown mechanism. Affected: yes.